The following is an entry in ClinVar:

NM_000051.4(ATM):c.6573A>T (p.Arg2191Ser)

Genes: ATM (ATM serine/threonine kinase; plus strand), C11orf65 (chromosome 11 open reading frame 65; minus strand). Cytogenetic location: 11q22.3.
Variant type: single nucleotide variant.
Coding change: c.6573A>T on transcript NM_000051.4 (MANE Select); coding-DNA position 6573, A replaced by T.
Protein change: p.Arg2191Ser; replaces arginine 2191 with serine.
Molecular consequence: missense variant. On other transcripts: intron variant (2).
Genome position (GRCh38, 1-based): chr11:108,325,310, A>T. VCF-style: chr11-108325310-A-T. GRCh37 (hg19) VCF-style: chr11-108196037-A-T.
Other names: c.6573A>T, p.Arg2191Ser (NM_001351834.2); c.641-16239T>A (NM_001330368.2); c.*38+9910T>A (NM_001351110.2); short protein forms R2191S.
Identifiers: ClinVar variation 4885613 (VCV004885613.2).
Genomic context (GRCh38, chr11:108,325,310, plus strand): 5'-TTTTTTTTTTTTTTTTTTTCATTTCTCTTGCTTACATGAACTCTATGTCGTGGCATTCAG[A>T]TCAGTCACACATAGACAACTCTCTGAAGTATATATTAAGTGGCAGAAACACTCCCAGCTT-3'
Protein context (NP_000042.3, residues 2181-2201): ELESIGELFS[Arg2191Ser]SVTHRQLSEV

ClinVar aggregate classification (germline): Uncertain significance (1 of 4 stars; one submission).

Conditions:
ATM-related cancer predisposition. Also called: ATM-related cancer susceptibility. Identifiers: MedGen CN377759, MONDO:0700270.

Submission:

Dasa
Classification: Uncertain significance for ATM-related cancer predisposition. Last evaluated: 2025-01-24. Review status: criteria provided, single submitter. Criteria: DASA Assertion Criteria. Collection method: clinical testing. Allele origin: germline.
Comment: NM_000051.4(ATM):c.6573A>T (p.Arg2191Ser) is a missense variant that results in the substitution of arginine with serine. This variant is rare in population databases. The currently available literature and clinical evidence are not sufficient to establish a definitive association between this variant and the reported condition. Therefore, this variant is classified as a variant of uncertain significance.